The following is an entry in ClinVar:

ClinVar aggregate classification (germline): Uncertain significance. Review status: criteria provided, multiple submitters, no conflicts (2 of 4 stars). 3 submissions from 3 submitters: Uncertain significance (3). Last evaluated 2025-10-01.

Conditions:
JAK1-related disorder. Also called: JAK1-related condition.

Allele frequency attached by ClinVar (database versions not stated): ExAC 0.00001; gnomAD exomes 0.00001 and 0.00002; TOPMed 0.00002; gnomAD 0.00004.
gnomAD v4.1: 20 of 1,614,020 alleles (0.0012%); highest among the groups gnomAD compares: East Asian, 0.0067%; no homozygotes.

Submissions (3):

PreventionGenetics, part of Exact Sciences
Classification: Uncertain significance for JAK1-related condition. Last evaluated: 2025-10-01. Review status: criteria provided, single submitter. Criteria: ACMG Guidelines, 2015. Collection method: clinical testing. Allele origin: germline.
Comment: The JAK1 c.128C>T variant is predicted to result in the amino acid substitution p.Ser43Leu. To our knowledge, this variant has not been reported in the literature. This variant is reported in 0.015% of alleles in individuals of East Asian descent in gnomAD, which may be too common to be causative. Although we suspect that this variant may be benign, at this time, the clinical significance of this variant is uncertain due to the absence of conclusive functional and genetic evidence.

Mayo Clinic Laboratories, Mayo Clinic
Classification: Uncertain significance. Last evaluated: 2025-09-22. Review status: criteria provided, single submitter. Criteria: ACMG Guidelines, 2015. Collection method: clinical testing. Allele origin: germline. Observed: 1 variant allele.
Comment: BP4_moderate

Labcorp Genetics (formerly Invitae), Labcorp
Classification: Uncertain significance. Last evaluated: 2024-10-22. Review status: criteria provided, single submitter. Criteria: Invitae Variant Classification Sherloc (09022015). Collection method: clinical testing. Allele origin: germline.
Comment: This sequence change replaces serine, which is neutral and polar, with leucine, which is neutral and non-polar, at codon 43 of the JAK1 protein (p.Ser43Leu). This variant is present in population databases (rs758557529, gnomAD 0.01%). This variant has not been reported in the literature in individuals affected with JAK1-related conditions. ClinVar contains an entry for this variant (Variation ID: 1357549). Experimental studies and prediction algorithms are not available or were not evaluated, and the functional significance of this variant is currently unknown. In summary, the available evidence is currently insufficient to determine the role of this variant in disease. Therefore, it has been classified as a Variant of Uncertain Significance.

NM_002227.4(JAK1):c.128C>T (p.Ser43Leu)

Genes: JAK1 (Janus kinase 1; minus strand), LOC129930680 (ATAC-STARR-seq lymphoblastoid active region 1132; plus strand). Cytogenetic location: 1p31.3.
Variant type: single nucleotide variant.
Coding change: c.128C>T on transcript NM_002227.4 (MANE Select); coding-DNA position 128, C replaced by T.
Protein change: p.Ser43Leu; replaces serine 43 with leucine.
Molecular consequence: missense variant.
Genome position (GRCh38, 1-based): chr1:64,883,354, G>A on the plus strand (C>T on the coding strand, the complement: JAK1 is on the minus strand). VCF-style: chr1-64883354-G-A. GRCh37 (hg19) VCF-style: chr1-65349037-G-A.
Other names: p.Ser43Leu; c.128C>T, p.Ser43Leu (NM_001320923.2, NM_001321852.2, NM_001321853.2 and 4 more transcripts); c.128C>T (NM_002227.3); short protein forms S43L.
Identifiers: ClinVar variation 1357549 (VCV001357549.8), dbSNP rs758557529, ClinGen allele CA893239.
Genomic context (GRCh38, chr1:64,883,354, plus strand): 5'-CTGATGCACAGTTCCTCTGCTGTGTACTCTCCACTGCCCAGCCGGAGGGGCTCCCTGTCC[G>A]ACAGATAGAAGATCACTTCCACCCCTGGCTCAGGGGCCTCCAGGTTCACCTCAGTCTTCT-3'
Protein context (NP_002218.2, residues 33-53): EPGVEVIFYL[Ser43Leu]DREPLRLGSG